The following is an entry in ClinVar:

ClinVar aggregate classification (germline): Uncertain significance (1 of 4 stars; one submission).

Submission:

GeneDx
Classification: Uncertain significance. Last evaluated: 2021-03-02. Review status: criteria provided, single submitter. Criteria: GeneDx Variant Classification Process June 2021. Collection method: clinical testing. Allele origin: germline. Affected: yes.
Comment: Not observed in large population cohorts (Lek et al., 2016); In silico analysis supports that this missense variant has a deleterious effect on protein structure/function; Has not been previously published as pathogenic or benign to our knowledge

NM_003119.4(SPG7):c.2098G>A (p.Asp700Asn)

Gene: SPG7 (SPG7 matrix AAA peptidase subunit, paraplegin; plus strand). Cytogenetic location: 16q24.3.
Variant type: single nucleotide variant.
Coding change: c.2098G>A on transcript NM_003119.4 (MANE Select); coding-DNA position 2098, G replaced by A.
Protein change: p.Asp700Asn; replaces aspartic acid 700 with asparagine.
Molecular consequence: missense variant.
Genome position (GRCh38, 1-based): chr16:89,553,955, G>A. VCF-style: chr16-89553955-G-A. GRCh37 (hg19) VCF-style: chr16-89620363-G-A.
Other names: c.2098G>A, p.Asp700Asn (NM_001363850.1); short protein forms D700N.
Identifiers: ClinVar variation 1189876 (VCV001189876.2), dbSNP rs2058662790, ClinGen allele CA397434482.